The following is an entry in ClinVar:

ClinVar aggregate classification (germline): Benign/Likely benign. Review status: criteria provided, multiple submitters, no conflicts (2 of 4 stars). 4 submissions from 4 submitters: Benign (3); Likely benign (1). Last evaluated 2026-01-22.

Conditions:
Spermatogenic failure 18. Identifiers: MedGen C4539783, MONDO:0054615, OMIM 617576.
Ciliary dyskinesia, primary, 37 (CILD37). Also called: CILIARY DYSKINESIA, PRIMARY, 37, WITH OR WITHOUT SITUS INVERSUS. Identifiers: MedGen C4539798, MONDO:0033204, OMIM 617577.

Allele frequency attached by ClinVar (database versions not stated): gnomAD 0.00215 and 0.00244; TOPMed 0.00231; ESP Exome Variant Server 0.00246; 1000 Genomes Project 0.00419; 1000 Genomes Project 30x 0.00437.
gnomAD v4.1: 5,801 of 1,613,368 alleles (0.36%); highest among the groups gnomAD compares: South Asian, 1.5%; 29 homozygotes.

Submissions (4):

Labcorp Genetics (formerly Invitae), Labcorp
Classification: Benign for Ciliary dyskinesia, primary, 37; Spermatogenic failure 18. Last evaluated: 2026-01-22. Review status: criteria provided, single submitter. Criteria: Invitae Variant Classification Sherloc (09022015). Collection method: clinical testing. Allele origin: germline.

Mayo Clinic Laboratories, Mayo Clinic
Classification: Benign. Last evaluated: 2025-02-19. Review status: criteria provided, single submitter. Criteria: ACMG Guidelines, 2015. Collection method: clinical testing. Allele origin: germline. Observed: 2 variant alleles.
Comment: BS1, BS2, BP4

Fulgent Genetics
Classification: Likely benign for Spermatogenic failure 18; Ciliary dyskinesia, primary, 37. Last evaluated: 2021-10-08. Review status: criteria provided, single submitter. Criteria: ACMG Guidelines, 2015. Collection method: clinical testing. Allele origin: unknown.

Breakthrough Genomics
Classification: Benign. Review status: criteria provided, single submitter. Criteria: ACMG Guidelines, 2015. Collection method: not provided. Allele origin: germline. Inheritance: Autosomal recessive inheritance. Affected: yes.

NM_015512.5(DNAH1):c.7143C>G (p.Ile2381Met)

Gene: DNAH1 (dynein axonemal heavy chain 1; plus strand). Cytogenetic location: 3p21.1.
Variant type: single nucleotide variant.
Coding change: c.7143C>G on transcript NM_015512.5 (MANE Select); coding-DNA position 7143, C replaced by G.
Protein change: p.Ile2381Met; replaces isoleucine 2381 with methionine.
Molecular consequence: missense variant.
Genome position (GRCh38, 1-based): chr3:52,375,397, C>G. VCF-style: chr3-52375397-C-G. GRCh37 (hg19) VCF-style: chr3-52409413-C-G.
Other names: p.Ile2381Met; short protein forms I2381M.
Identifiers: ClinVar variation 478487 (VCV000478487.14), dbSNP rs144580984, ClinGen allele CA2434762.